The following is an entry in ClinVar:

ClinVar aggregate classification (germline): Benign/Likely benign. Review status: criteria provided, multiple submitters, no conflicts (2 of 4 stars). 5 submissions from 5 submitters: Benign (4); Likely benign (1). Last evaluated 2026-02-01.

Conditions:
Microcephalic osteodysplastic primordial dwarfism type II (MOPD2). Also called: MOPD II; OSTEODYSPLASTIC PRIMORDIAL DWARFISM, TYPE II; Microcephalic osteodysplastic primordial dwarfism with tooth abnormalities. Identifiers: Orphanet 2637, MedGen C0432246, MONDO:0008872, OMIM 210720.

Allele frequency attached by ClinVar (database versions not stated): gnomAD 0.00724 and 0.00750; TOPMed 0.00736; ESP Exome Variant Server 0.00823.
gnomAD v4.1: 18,334 of 1,613,892 alleles (1.1%); highest among the groups gnomAD compares: Non-Finnish European, 1.5%; 145 homozygotes.

Submissions (5):

Labcorp Genetics (formerly Invitae), Labcorp
Classification: Benign. Last evaluated: 2026-02-01. Review status: criteria provided, single submitter. Criteria: Invitae Variant Classification Sherloc (09022015). Collection method: clinical testing. Allele origin: germline.

ARUP Laboratories, Molecular Genetics and Genomics, ARUP Laboratories
Classification: Benign for Microcephalic osteodysplastic primordial dwarfism type II. Last evaluated: 2023-11-29. Review status: criteria provided, single submitter. Criteria: ARUP Molecular Germline Variant Investigation Process 2024. Collection method: clinical testing. Allele origin: germline.

Fulgent Genetics
Classification: Likely benign for Microcephalic osteodysplastic primordial dwarfism type II. Last evaluated: 2021-08-31. Review status: criteria provided, single submitter. Criteria: ACMG Guidelines, 2015. Collection method: clinical testing. Allele origin: unknown.

GeneDx
Classification: Benign. Last evaluated: 2016-09-14. Review status: criteria provided, single submitter. Criteria: GeneDx Variant Classification (06012015). Collection method: clinical testing. Allele origin: germline. Affected: yes.
Comment: This variant is considered likely benign or benign based on one or more of the following criteria: it is a conservative change, it occurs at a poorly conserved position in the protein, it is predicted to be benign by multiple in silico algorithms, and/or has population frequency not consistent with disease.

Breakthrough Genomics
Classification: Benign. Review status: criteria provided, single submitter. Criteria: ACMG Guidelines, 2015. Collection method: not provided. Allele origin: germline. Inheritance: Autosomal recessive inheritance. Affected: yes.

NM_006031.6(PCNT):c.8065-19G>A

Gene: PCNT (pericentrin; plus strand). Cytogenetic location: 21q22.3.
Variant type: single nucleotide variant.
Coding change: c.8065-19G>A on transcript NM_006031.6 (MANE Select); 19 bases into the intron before coding-DNA position 8065, G replaced by A.
Molecular consequence: intron variant.
Genome position (GRCh38, 1-based): chr21:46,431,510, G>A. VCF-style: chr21-46431510-G-A. GRCh37 (hg19) VCF-style: chr21-47851424-G-A.
Other names: c.7711-19G>A (NM_001315529.2).
Identifiers: ClinVar variation 378330 (VCV000378330.23), dbSNP rs78561636, ClinGen allele CA10080871.